The following is an entry in ClinVar:

ClinVar aggregate classification (germline): Uncertain significance (1 of 4 stars; one submission).

Conditions:
Methylmalonic aciduria and homocystinuria type cblF. Also called: COBALAMIN F DISEASE; COBALAMIN, DEFECT IN LYSOSOMAL RELEASE OF; METHYLMALONIC ACIDEMIA AND HOMOCYSTINURIA, cblF TYPE; METHYLMALONIC ACIDURIA DUE TO VITAMIN B12-RELEASE DEFECT; VITAMIN B12 LYSOSOMAL RELEASE DEFECT; VITAMIN B12 STORAGE DISEASE. Identifiers: Orphanet 79284, MedGen C1848578, MONDO:0010183, OMIM 277380.

Allele frequency attached by ClinVar (database versions not stated): gnomAD exomes below 0.00001.
gnomAD v4.1: 1 of 1,596,170 alleles (0.000063%); highest among the groups gnomAD compares: Non-Finnish European, 0.000086%; no homozygotes.

Submission:

Labcorp Genetics (formerly Invitae), Labcorp
Classification: Uncertain significance for Methylmalonic aciduria and homocystinuria type cblF. Last evaluated: 2021-07-31. Review status: criteria provided, single submitter. Criteria: Invitae Variant Classification Sherloc (09022015). Collection method: clinical testing. Allele origin: germline.
Comment: This sequence change replaces leucine with serine at codon 356 of the LMBRD1 protein (p.Leu356Ser). The leucine residue is highly conserved and there is a large physicochemical difference between leucine and serine. This variant is not present in population databases (ExAC no frequency). This variant has not been reported in the literature in individuals affected with LMBRD1-related conditions. Algorithms developed to predict the effect of missense changes on protein structure and function (SIFT, PolyPhen-2, Align-GVGD) all suggest that this variant is likely to be disruptive. In summary, the available evidence is currently insufficient to determine the role of this variant in disease. Therefore, it has been classified as a Variant of Uncertain Significance.

NM_018368.4(LMBRD1):c.1067T>C (p.Leu356Ser)

Gene: LMBRD1 (LMBR1 domain containing 1; minus strand). Cytogenetic location: 6q13.
Variant type: single nucleotide variant.
Coding change: c.1067T>C on transcript NM_018368.4 (MANE Select); coding-DNA position 1067, T replaced by C.
Protein change: p.Leu356Ser; replaces leucine 356 with serine.
Molecular consequence: missense variant.
Genome position (GRCh38, 1-based): chr6:69,701,459, A>G on the plus strand (T>C on the coding strand, the complement: LMBRD1 is on the minus strand). VCF-style: chr6-69701459-A-G. GRCh37 (hg19) VCF-style: chr6-70411351-A-G.
Other names: c.848T>C, p.Leu283Ser (NM_001363722.2, NM_001367271.1, NM_001367272.1); short protein forms L283S, L356S.
Identifiers: ClinVar variation 1441060 (VCV001441060.6), dbSNP rs1766127830, ClinGen allele CA364664892.